The following is an entry in ClinVar:

NM_004725.4(BUB3):c.493C>G (p.Arg165Gly)

Gene: BUB3 (BUB3 mitotic checkpoint protein; plus strand). Cytogenetic location: 10q26.13.
Variant type: single nucleotide variant.
Coding change: c.493C>G on transcript NM_004725.4 (MANE Select); coding-DNA position 493, C replaced by G.
Protein change: p.Arg165Gly; replaces arginine 165 with glycine.
Molecular consequence: missense variant.
Genome position (GRCh38, 1-based): chr10:123,160,482, C>G. VCF-style: chr10-123160482-C-G. GRCh37 (hg19) VCF-style: chr10-124919998-C-G.
Other names: c.493C>G, p.Arg165Gly (NM_001007793.3); short protein forms R165G.
Identifiers: ClinVar variation 2496887 (VCV002496887.2), dbSNP rs1156977641, ClinGen allele CA378626215.

ClinVar aggregate classification (germline): Uncertain significance (1 of 4 stars; one submission).

gnomAD v4.1: 3 of 1,613,374 alleles (0.00019%); highest among the groups gnomAD compares: Non-Finnish European, 0.00025%; no homozygotes.

Submission:

Ambry Genetics
Classification: Uncertain significance. Last evaluated: 2023-02-15. Review status: criteria provided, single submitter. Criteria: Ambry Variant Classification Scheme 2023. Collection method: clinical testing. Allele origin: germline.
Comment: The p.R165G variant (also known as c.493C>G), located in coding exon 4 of the BUB3 gene, results from a C to G substitution at nucleotide position 493. The arginine at codon 165 is replaced by glycine, an amino acid with dissimilar properties. This amino acid position is conserved. In addition, this alteration is predicted to be deleterious by in silico analysis. Since supporting evidence is limited at this time, the clinical significance of this alteration remains unclear.